The following is an entry in ClinVar:

NM_001173990.3(TMEM216):c.320T>C (p.Leu107Pro)

Gene: TMEM216 (transmembrane protein 216; plus strand). Cytogenetic location: 11q12.2.
Variant type: single nucleotide variant.
Coding change: c.320T>C on transcript NM_001173990.3 (MANE Select); coding-DNA position 320, T replaced by C.
Protein change: p.Leu107Pro; replaces leucine 107 with proline.
Molecular consequence: missense variant.
Genome position (GRCh38, 1-based): chr11:61,397,864, T>C. VCF-style: chr11-61397864-T-C. GRCh37 (hg19) VCF-style: chr11-61165336-T-C.
Other names: c.320T>C, p.Leu107Pro (NM_001173991.3); c.137T>C, p.Leu46Pro (NM_001330285.2, NM_016499.6); short protein forms L46P, L107P.
Identifiers: ClinVar variation 4991434 (VCV004991434.1).

ClinVar aggregate classification (germline): Uncertain significance (1 of 4 stars; one submission).

Conditions:
TMEM216-related disorder. Also called: TMEM216-related disorders; TMEM216-related condition.

gnomAD v4.1: 6 of 1,614,038 alleles (0.00037%); highest among the groups gnomAD compares: Non-Finnish European, 0.00051%; no homozygotes.

Submission:

PreventionGenetics, part of Exact Sciences
Classification: Uncertain significance for TMEM216-related condition. Last evaluated: 2025-11-12. Review status: criteria provided, single submitter. Criteria: ACMG Guidelines, 2015. Collection method: clinical testing. Allele origin: germline.
Comment: The TMEM216 c.320T>C variant is predicted to result in the amino acid substitution p.Leu107Pro. To our knowledge, this variant has not been reported in the literature. This variant is reported in 0.0018% of alleles in individuals of European (Non-Finnish) descent in gnomAD. At this time, the clinical significance of this variant is uncertain due to the absence of conclusive functional and genetic evidence.